The following is an entry in ClinVar:

ClinVar aggregate classification (germline): Uncertain significance (1 of 4 stars; one submission).

Conditions:
Retinitis pigmentosa 31 (RP31). Identifiers: Orphanet 791, MedGen C1835923, MONDO:0012367, OMIM 609923.

Allele frequency attached by ClinVar (database versions not stated): gnomAD exomes below 0.00001.
gnomAD v4.1: 2 of 1,613,080 alleles (0.00012%); highest among the groups gnomAD compares: Non-Finnish European, 0.000085%; no homozygotes.

Submission:

ARUP Laboratories, Molecular Genetics and Genomics, ARUP Laboratories
Classification: Uncertain significance for Retinitis pigmentosa 31. Last evaluated: 2019-04-09. Review status: criteria provided, single submitter. Criteria: ARUP Molecular Germline Variant Investigation Process. Collection method: clinical testing. Allele origin: germline.
Comment: The TOPORS c.842T>A; p.Ile281Asn variant (rs1302485735), to our knowledge, is not reported in the medical literature or gene-specific databases. This variant is also absent from general population databases (Exome Variant Server, Genome Aggregation Database), indicating it is not a common polymorphism. The isoleucine at codon 281 is moderately conserved, and computational analyses (SIFT, PolyPhen-2) predict that this variant is deleterious. However, due to limited information, the clinical significance of the p.Ile281Asn variant is uncertain at this time.

NM_005802.5(TOPORS):c.842T>A (p.Ile281Asn)

Gene: TOPORS (TOP1 binding arginine/serine rich protein, E3 ubiquitin ligase; minus strand). Cytogenetic location: 9p21.1.
Variant type: single nucleotide variant.
Coding change: c.842T>A on transcript NM_005802.5 (MANE Select); coding-DNA position 842, T replaced by A.
Protein change: p.Ile281Asn; replaces isoleucine 281 with asparagine.
Molecular consequence: missense variant.
Genome position (GRCh38, 1-based): chr9:32,543,683, A>T on the plus strand (T>A on the coding strand, the complement: TOPORS is on the minus strand). VCF-style: chr9-32543683-A-T. GRCh37 (hg19) VCF-style: chr9-32543681-A-T.
Other names: c.647T>A, p.Ile216Asn (NM_001195622.2); short protein forms I216N, I281N.
Identifiers: ClinVar variation 811354 (VCV000811354.8), dbSNP rs1302485735, ClinGen allele CA373171769.